The following is an entry in ClinVar:

ClinVar aggregate classification (germline): Uncertain significance. Review status: criteria provided, multiple submitters, no conflicts (2 of 4 stars). 3 submissions from 3 submitters: Uncertain significance (3). Last evaluated 2025-10-10.

Conditions:
Hereditary cancer-predisposing syndrome. Also called: Hereditary neoplastic syndrome; Neoplastic Syndromes, Hereditary; Hereditary Cancer Syndrome; Tumor predisposition. Identifiers: Orphanet 140162, MedGen C0027672, MeSH D009386, MONDO:0015356.

Allele frequency attached by ClinVar (database versions not stated): gnomAD exomes below 0.00001.
gnomAD v4.1: 2 of 1,614,098 alleles (0.00012%); highest among the groups gnomAD compares: Non-Finnish European, 0.00017%; no homozygotes.

Submissions (3):

Ambry Genetics
Classification: Uncertain significance for Hereditary cancer-predisposing syndrome. Last evaluated: 2025-10-10. Review status: criteria provided, single submitter. Criteria: Ambry Variant Classification Scheme 2023. Collection method: clinical testing. Allele origin: germline.
Comment: The p.V2089I variant (also known as c.6265G>A), located in coding exon 45 of the POLE gene, results from a G to A substitution at nucleotide position 6265. The valine at codon 2089 is replaced by isoleucine, an amino acid with highly similar properties. This amino acid position is conserved. In addition, this alteration is predicted to be tolerated by in silico analysis. Since supporting evidence is limited at this time, the clinical significance of this alteration remains unclear.

Labcorp Genetics (formerly Invitae), Labcorp
Classification: Uncertain significance. Last evaluated: 2025-07-31. Review status: criteria provided, single submitter. Criteria: Invitae Variant Classification Sherloc (09022015). Collection method: clinical testing. Allele origin: germline.
Comment: This sequence change replaces valine, which is neutral and non-polar, with isoleucine, which is neutral and non-polar, at codon 2089 of the POLE protein (p.Val2089Ile). This variant is not present in population databases (gnomAD no frequency). This variant has not been reported in the literature in individuals affected with POLE-related conditions. ClinVar contains an entry for this variant (Variation ID: 965402). Invitae Evidence Modeling of protein sequence and biophysical properties (such as structural, functional, and spatial information, amino acid conservation, physicochemical variation, residue mobility, and thermodynamic stability) indicates that this missense variant is not expected to disrupt POLE protein function with a negative predictive value of 80%. In summary, the available evidence is currently insufficient to determine the role of this variant in disease. Therefore, it has been classified as a Variant of Uncertain Significance.

GeneDx
Classification: Uncertain significance. Last evaluated: 2022-11-01. Review status: criteria provided, single submitter. Criteria: GeneDx Variant Classification Process June 2021. Collection method: clinical testing. Allele origin: germline. Affected: yes.
Comment: Not observed at significant frequency in large population cohorts (gnomAD); In silico analysis supports that this missense variant does not alter protein structure/function; Has not been previously published as pathogenic or benign to our knowledge

NM_006231.4(POLE):c.6265G>A (p.Val2089Ile)

Gene: POLE (DNA polymerase epsilon, catalytic subunit; minus strand). Cytogenetic location: 12q24.33.
Variant type: single nucleotide variant.
Coding change: c.6265G>A on transcript NM_006231.4 (MANE Select); coding-DNA position 6265, G replaced by A.
Protein change: p.Val2089Ile; replaces valine 2089 with isoleucine.
Molecular consequence: missense variant.
Genome position (GRCh38, 1-based): chr12:132,632,380, C>T on the plus strand (G>A on the coding strand, the complement: POLE is on the minus strand). VCF-style: chr12-132632380-C-T. GRCh37 (hg19) VCF-style: chr12-133208966-C-T.
Other names: c.6265G>A (NM_006231.2); short protein forms V2089I.
Identifiers: ClinVar variation 965402 (VCV000965402.11), dbSNP rs2041950521, ClinGen allele CA387369479.